The following is an entry in ClinVar:

ClinVar aggregate classification (germline): Likely benign (1 of 4 stars; one submission).

Allele frequency attached by ClinVar (database versions not stated): TOPMed 0.00001.
gnomAD v4.1: 5 of 1,609,332 alleles (0.00031%); highest among the groups gnomAD compares: Admixed American, 0.005%; no homozygotes.

Submission:

Laboratory for Molecular Medicine, Mass General Brigham Personalized Medicine
Classification: Likely benign. Last evaluated: 2013-02-05. Review status: criteria provided, single submitter. Criteria: LMM Criteria. Collection method: clinical testing. Allele origin: germline. Observed: 1 variant allele.
Comment: Ser733Ser in TECTA: This variant is not expected to have clinical significance b ecause it does not alter an amino acid residue and is not located within the spl ice consensus sequence.

NM_005422.4(TECTA):c.2199C>G (p.Ser733=)

Genes: TBCEL-TECTA (TBCEL-TECTA readthrough; plus strand), TECTA (tectorin alpha; plus strand). Cytogenetic location: 11q23.3.
Variant type: single nucleotide variant.
Coding change: c.2199C>G on transcript NM_005422.4 (MANE Select); coding-DNA position 2199, C replaced by G.
Protein change: p.Ser733=; no amino-acid change (serine 733 retained).
Molecular consequence: synonymous variant.
Genome position (GRCh38, 1-based): chr11:121,128,176, C>G. VCF-style: chr11-121128176-C-G. GRCh37 (hg19) VCF-style: chr11-120998885-C-G.
Other names: c.3156C>G, p.Ser1052= (NM_001378761.1).
Identifiers: ClinVar variation 45318 (VCV000045318.5), dbSNP rs397517145, ClinGen allele CA136026.